The following is an entry in ClinVar:

NM_000350.3(ABCA4):c.1391T>A (p.Leu464Ter)

Gene: ABCA4 (ATP binding cassette subfamily A member 4; minus strand). Cytogenetic location: 1p22.1.
Variant type: single nucleotide variant.
Coding change: c.1391T>A on transcript NM_000350.3 (MANE Select); coding-DNA position 1391, T replaced by A.
Protein change: p.Leu464Ter; replaces leucine 464 with a stop codon.
Molecular consequence: nonsense.
Genome position (GRCh38, 1-based): chr1:94,077,853, A>T on the plus strand (T>A on the coding strand, the complement: ABCA4 is on the minus strand). VCF-style: chr1-94077853-A-T. GRCh37 (hg19) VCF-style: chr1-94543409-A-T.
Other names: c.1391T>A, p.Leu464Ter (NM_001425324.1); short protein forms L464*.
Identifiers: ClinVar variation 1076593 (VCV001076593.9), dbSNP rs2101101348, ClinGen allele CA341282141.

ClinVar aggregate classification (germline): Pathogenic. Review status: criteria provided, multiple submitters, no conflicts (2 of 4 stars). 2 submissions from 2 submitters: Pathogenic (2). Last evaluated 2023-09-03.

Conditions:
Severe early-childhood-onset retinal dystrophy (STGD1). Also called: Stargardt macular dystrophy; Juvenile onset macular degeneration; Stargardt disease 1; MACULAR DYSTROPHY WITH FLECKS, TYPE 1; STGD. Identifiers: Orphanet 364055, Orphanet 827, MedGen C1855465, MeSH D000080362, MONDO:0009549, OMIM 248200.

Submissions (2):

Labcorp Genetics (formerly Invitae), Labcorp
Classification: Pathogenic. Last evaluated: 2023-09-03. Review status: criteria provided, single submitter. Criteria: Invitae Variant Classification Sherloc (09022015). Collection method: clinical testing. Allele origin: germline.
Comment: For these reasons, this variant has been classified as Pathogenic. Algorithms developed to predict the effect of sequence changes on RNA splicing suggest that this variant may disrupt the consensus splice site. ClinVar contains an entry for this variant (Variation ID: 1076593). This variant has not been reported in the literature in individuals affected with ABCA4-related conditions. This variant is not present in population databases (gnomAD no frequency). This sequence change creates a premature translational stop signal (p.Leu464*) in the ABCA4 gene. It is expected to result in an absent or disrupted protein product. Loss-of-function variants in ABCA4 are known to be pathogenic (PMID: 10958761, 24938718, 25312043, 26780318).

DBGen Ocular Genomics
Classification: Pathogenic for Severe early-childhood-onset retinal dystrophy. Last evaluated: 2021-05-31. Review status: criteria provided, single submitter. Criteria: ACMG Guidelines, 2015. Collection method: clinical testing. Allele origin: germline. Affected: yes. Observed: 1 variant allele.

Literature cited by the submitters: PubMed 10958761 (cited by Labcorp Genetics (formerly Invitae), Labcorp); PubMed 24938718 (cited by Labcorp Genetics (formerly Invitae), Labcorp); PubMed 25312043 (cited by Labcorp Genetics (formerly Invitae), Labcorp); PubMed 26780318 (cited by Labcorp Genetics (formerly Invitae), Labcorp).